The following is an entry in ClinVar:

NM_053025.4(MYLK):c.2579G>T (p.Trp860Leu)

Gene: MYLK (myosin light chain kinase; minus strand). Cytogenetic location: 3q21.1.
Variant type: single nucleotide variant.
Coding change: c.2579G>T on transcript NM_053025.4 (MANE Select); coding-DNA position 2579, G replaced by T.
Protein change: p.Trp860Leu; replaces tryptophan 860 with leucine.
Molecular consequence: missense variant.
Genome position (GRCh38, 1-based): chr3:123,700,889, C>A on the plus strand (G>T on the coding strand, the complement: MYLK is on the minus strand). VCF-style: chr3-123700889-C-A. GRCh37 (hg19) VCF-style: chr3-123419736-C-A.
Other names: c.2051G>T, p.Trp684Leu (NM_001321309.2); c.2372G>T, p.Trp791Leu (NM_053026.4, NM_053028.4); c.2579G>T, p.Trp860Leu (NM_053027.4); short protein forms W684L, W791L, W860L.
Identifiers: ClinVar variation 2962107 (VCV002962107.3), dbSNP rs2474188669, ClinGen allele CA354232167.

ClinVar aggregate classification (germline): Uncertain significance (1 of 4 stars; one submission).

Conditions:
Aortic aneurysm, familial thoracic 7 (AAT7). Also called: AORTIC DISSECTION, FAMILIAL, WITH OR WITHOUT AORTIC ANEURYSM. Identifiers: MedGen C3151077, MONDO:0013418, OMIM 613780.

Submission:

Labcorp Genetics (formerly Invitae), Labcorp
Classification: Uncertain significance for Aortic aneurysm, familial thoracic 7. Last evaluated: 2023-12-10. Review status: criteria provided, single submitter. Criteria: Invitae Variant Classification Sherloc (09022015). Collection method: clinical testing. Allele origin: germline.
Comment: This sequence change replaces tryptophan, which is neutral and slightly polar, with leucine, which is neutral and non-polar, at codon 860 of the MYLK protein (p.Trp860Leu). This variant is not present in population databases (gnomAD no frequency). This variant has not been reported in the literature in individuals affected with MYLK-related conditions. Advanced modeling of protein sequence and biophysical properties (such as structural, functional, and spatial information, amino acid conservation, physicochemical variation, residue mobility, and thermodynamic stability) performed at Invitae indicates that this missense variant is not expected to disrupt MYLK protein function with a negative predictive value of 80%. In summary, the available evidence is currently insufficient to determine the role of this variant in disease. Therefore, it has been classified as a Variant of Uncertain Significance.